The following is an entry in ClinVar:

ClinVar aggregate classification (germline): Uncertain significance. Review status: criteria provided, multiple submitters, no conflicts (2 of 4 stars). 4 submissions from 4 submitters: Uncertain significance (4). Last evaluated 2026-01-13.

Conditions:
Hereditary cancer-predisposing syndrome. Also called: Hereditary Cancer Syndrome; Hereditary neoplastic syndrome; Neoplastic Syndromes, Hereditary; Tumor predisposition. Identifiers: Orphanet 140162, MedGen C0027672, MeSH D009386, MONDO:0015356.
Classic or attenuated familial adenomatous polyposis. Identifiers: MedGen CN372698, MONDO:0021057.
Familial adenomatous polyposis 1 (FAP1). Also called: FAMILIAL ADENOMATOUS POLYPOSIS 1, ATTENUATED; POLYPOSIS, ADENOMATOUS INTESTINAL. Identifiers: MedGen C2713442, MONDO:0021056, OMIM 175100. Disease mechanism: loss of function.

Submissions (4):

Labcorp Genetics (formerly Invitae), Labcorp
Classification: Uncertain significance for Familial adenomatous polyposis 1. Last evaluated: 2026-01-13. Review status: criteria provided, single submitter. Criteria: Invitae Variant Classification Sherloc (09022015). Collection method: clinical testing. Allele origin: germline.
Comment: This sequence change replaces serine, which is neutral and polar, with leucine, which is neutral and non-polar, at codon 2005 of the APC protein (p.Ser2005Leu). This variant is not present in population databases (gnomAD no frequency). This variant has not been reported in the literature in individuals affected with APC-related conditions. ClinVar contains an entry for this variant (Variation ID: 1751088). Invitae Evidence Modeling of protein sequence and biophysical properties (such as structural, functional, and spatial information, amino acid conservation, physicochemical variation, residue mobility, and thermodynamic stability) indicates that this missense variant is not expected to disrupt APC protein function with a negative predictive value of 95%. In summary, the available evidence is currently insufficient to determine the role of this variant in disease. Therefore, it has been classified as a Variant of Uncertain Significance.

Ambry Genetics
Classification: Uncertain significance for Hereditary cancer-predisposing syndrome. Last evaluated: 2024-10-09. Review status: criteria provided, single submitter. Criteria: Ambry Variant Classification Scheme 2023. Collection method: clinical testing. Allele origin: germline.
Comment: The p.S2005L variant (also known as c.6014C>T), located in coding exon 15 of the APC gene, results from a C to T substitution at nucleotide position 6014. The serine at codon 2005 is replaced by leucine, an amino acid with dissimilar properties. This amino acid position is well conserved in available vertebrate species. In addition, in silico predictors for this gene do not accurately predict pathogenicity. Missense alterations in APC are not a common cause of disease (Spier I et al. Genet Med. 2024 Feb;26(2):100992). Since supporting evidence is limited at this time, the clinical significance of this alteration remains unclear.

All of Us Research Program, National Institutes of Health
Classification: Uncertain significance for Classic or attenuated familial adenomatous polyposis. Last evaluated: 2023-01-10. Review status: criteria provided, single submitter. Criteria: ACMG Guidelines, 2015. Collection method: clinical testing. Allele origin: germline. Inheritance: Autosomal dominant inheritance. Observed: 1 variant allele, 1 heterozygote.
Comment: This missense variant replaces serine with leucine at codon 2005 of the APC protein. Computational prediction suggests that this variant may not impact protein structure and function (internally defined REVEL score threshold <= 0.5, PMID: 27666373). To our knowledge, functional studies have not been reported for this variant. This variant has not been reported in individuals affected with APC-related disorders in the literature. This variant has not been identified in the general population by the Genome Aggregation Database (gnomAD). The available evidence is insufficient to determine the role of this variant in disease conclusively. Therefore, this variant is classified as a Variant of Uncertain Significance.

This study involves interpretation of variants in research participants for the purpose of population health screening. Participant phenotype was not available at the time of variant classification. Additional details can be found in publication PMID: 35346344, PMCID: PMC8962531

Color Diagnostics, LLC DBA Color Health
Classification: Uncertain significance for Hereditary cancer-predisposing syndrome. Last evaluated: 2022-11-17. Review status: criteria provided, single submitter. Criteria: ACMG Guidelines, 2015. Collection method: clinical testing. Allele origin: germline.
Comment: This missense variant replaces serine with leucine at codon 2005 of the APC protein. Computational prediction suggests that this variant may not impact protein structure and function (internally defined REVEL score threshold <= 0.5, PMID: 27666373). To our knowledge, functional studies have not been reported for this variant. This variant has not been reported in individuals affected with APC-related disorders in the literature. This variant has not been identified in the general population by the Genome Aggregation Database (gnomAD). The available evidence is insufficient to determine the role of this variant in disease conclusively. Therefore, this variant is classified as a Variant of Uncertain Significance.

NM_000038.6(APC):c.6014C>T (p.Ser2005Leu)

Gene: APC (APC regulator of Wnt signaling pathway; plus strand). Cytogenetic location: 5q22.2.
Variant type: single nucleotide variant.
Coding change: c.6014C>T on transcript NM_000038.6 (MANE Select); coding-DNA position 6014, C replaced by T.
Protein change: p.Ser2005Leu; replaces serine 2005 with leucine.
Molecular consequence: missense variant.
Genome position (GRCh38, 1-based): chr5:112,841,608, C>T. VCF-style: chr5-112841608-C-T. GRCh37 (hg19) VCF-style: chr5-112177305-C-T.
Other names: c.6014C>T, p.Ser2005Leu (NM_001127510.3, NM_001354895.2, NM_001407450.1); c.5960C>T, p.Ser1987Leu (NM_001127511.3); c.6068C>T, p.Ser2023Leu (NM_001354896.2, NM_001407447.1, NM_001407448.1 and 1 more transcripts); c.6044C>T, p.Ser2015Leu (NM_001354897.2); c.5939C>T, p.Ser1980Leu (NM_001354898.2); c.5930C>T, p.Ser1977Leu (NM_001354899.2); c.5891C>T, p.Ser1964Leu (NM_001354900.2); c.5837C>T, p.Ser1946Leu (NM_001354901.2, NM_001407453.1); and 11 more; short protein forms S1904L, S1964L, S1995L, S2015L, S1876L, S1922L, S1946L, S1977L.
Identifiers: ClinVar variation 1751088 (VCV001751088.7), dbSNP rs2149954912, ClinGen allele CA16034495.
Genomic context (GRCh38, chr5:112,841,608, plus strand): 5'-AACCTATCAAAGAGACTGAGCCCCCTGACTCACAGGGAGAACCAAGTAAACCTCAAGCAT[C>T]AGGCTATGCTCCTAAATCATTTCATGTTGAAGATACCCCAGTTTGTTTCTCAAGAAACAG-3'
Protein context (NP_000029.2, residues 1995-2015): SQGEPSKPQA[Ser2005Leu]GYAPKSFHVE